The following is an entry in ClinVar:

NM_001401501.2(MUC16):c.44267C>T (p.Pro14756Leu)

Gene: MUC16 (mucin 16, cell surface associated; minus strand). Cytogenetic location: 19p13.2.
Variant type: single nucleotide variant.
Coding change: c.44267C>T on transcript NM_001401501.2 (MANE Select); coding-DNA position 44267, C replaced by T.
Protein change: p.Pro14756Leu; replaces proline 14756 with leucine.
Molecular consequence: missense variant.
Genome position (GRCh38, 1-based): chr19:8,882,342, G>A on the plus strand (C>T on the coding strand, the complement: MUC16 is on the minus strand). VCF-style: chr19-8882342-G-A. GRCh37 (hg19) VCF-style: chr19-8993018-G-A.
Other names: c.44693C>T, p.Pro14898Leu (NM_001414686.1); c.44147C>T, p.Pro14716Leu (NM_001414687.1); c.41741C>T, p.Pro13914Leu (NM_024690.2); short protein forms P13914L, P14716L, P14756L, P14898L.
Identifiers: ClinVar variation 3056836 (VCV003056836.2), dbSNP rs61742668, ClinGen allele CA9162679.

ClinVar aggregate classification (germline): Benign (0 of 4 stars; one submission).

Conditions:
MUC16-related disorder. Also called: MUC16-related condition.

Allele frequency attached by ClinVar (database versions not stated): 1000 Genomes Project 30x 0.04950; 1000 Genomes Project 0.05032; gnomAD 0.07052; ExAC 0.07880; ESP Exome Variant Server 0.08237; gnomAD exomes 0.09830.

Submission:

PreventionGenetics, part of Exact Sciences
Classification: Benign for MUC16-related condition. Last evaluated: 2019-10-28. Review status: no assertion criteria provided. Collection method: clinical testing. Allele origin: germline.
Comment: This variant is classified as benign based on ACMG/AMP sequence variant interpretation guidelines (Richards et al. 2015 PMID: 25741868, with internal and published modifications).